The following is an entry in ClinVar:

NM_000426.4(LAMA2):c.4984G>T (p.Glu1662Ter)

Gene: LAMA2 (laminin subunit alpha 2; plus strand). Cytogenetic location: 6q22.33.
Variant type: single nucleotide variant.
Coding change: c.4984G>T on transcript NM_000426.4 (MANE Select); coding-DNA position 4984, G replaced by T.
Protein change: p.Glu1662Ter; replaces glutamic acid 1662 with a stop codon.
Molecular consequence: nonsense.
Genome position (GRCh38, 1-based): chr6:129,383,146, G>T. VCF-style: chr6-129383146-G-T. GRCh37 (hg19) VCF-style: chr6-129704291-G-T.
Other names: c.4984G>T, p.Glu1662Ter (NM_001079823.2); short protein forms E1662*.
Identifiers: ClinVar variation 2029209 (VCV002029209.4), dbSNP rs1778791602, ClinGen allele CA365628539.

ClinVar aggregate classification (germline): Pathogenic (1 of 4 stars; one submission).

Conditions:
LAMA2-related muscular dystrophy (LAMA2-RD). Also called: Laminin alpha 2-related dystrophy. Identifiers: MedGen C5679788, MONDO:0100228.

Submission:

Labcorp Genetics (formerly Invitae), Labcorp
Classification: Pathogenic for LAMA2-related muscular dystrophy. Last evaluated: 2025-02-02. Review status: criteria provided, single submitter. Criteria: Invitae Variant Classification Sherloc (09022015). Collection method: clinical testing. Allele origin: germline.
Comment: This sequence change creates a premature translational stop signal (p.Glu1662*) in the LAMA2 gene. It is expected to result in an absent or disrupted protein product. Loss-of-function variants in LAMA2 are known to be pathogenic (PMID: 18700894, 32904964). This variant is not present in population databases (gnomAD no frequency). This variant has not been reported in the literature in individuals affected with LAMA2-related conditions. ClinVar contains an entry for this variant (Variation ID: 2029209). For these reasons, this variant has been classified as Pathogenic.

Literature cited by the submitters: PubMed 18700894; PubMed 32904964.